The following is an entry in ClinVar:

NM_024741.3(ZNF408):c.973C>G (p.Pro325Ala)

Gene: ZNF408 (zinc finger protein 408; plus strand). Cytogenetic location: 11p11.2.
Variant type: single nucleotide variant.
Coding change: c.973C>G on transcript NM_024741.3 (MANE Select); coding-DNA position 973, C replaced by G.
Protein change: p.Pro325Ala; replaces proline 325 with alanine.
Molecular consequence: missense variant.
Genome position (GRCh38, 1-based): chr11:46,704,673, C>G. VCF-style: chr11-46704673-C-G. GRCh37 (hg19) VCF-style: chr11-46726223-C-G.
Other names: c.949C>G, p.Pro317Ala (NM_001184751.2); short protein forms P317A, P325A.
Identifiers: ClinVar variation 1942553 (VCV001942553.5), dbSNP rs1003630769, ClinGen allele CA221633058.

ClinVar aggregate classification (germline): Uncertain significance (1 of 4 stars; one submission).

Allele frequency attached by ClinVar (database versions not stated): TOPMed 0.00002.
gnomAD v4.1: 6 of 1,613,580 alleles (0.00037%); highest among the groups gnomAD compares: African/African-American, 0.0027%; no homozygotes.

Submission:

Labcorp Genetics (formerly Invitae), Labcorp
Classification: Uncertain significance. Last evaluated: 2022-12-07. Review status: criteria provided, single submitter. Criteria: Invitae Variant Classification Sherloc (09022015). Collection method: clinical testing. Allele origin: germline.
Comment: This sequence change replaces proline, which is neutral and non-polar, with alanine, which is neutral and non-polar, at codon 325 of the ZNF408 protein (p.Pro325Ala). This variant is not present in population databases (gnomAD no frequency). This variant has not been reported in the literature in individuals affected with ZNF408-related conditions. Algorithms developed to predict the effect of missense changes on protein structure and function (SIFT, PolyPhen-2, Align-GVGD) all suggest that this variant is likely to be tolerated. In summary, the available evidence is currently insufficient to determine the role of this variant in disease. Therefore, it has been classified as a Variant of Uncertain Significance.